The following is an entry in ClinVar:

NM_014391.3(ANKRD1):c.113C>T (p.Thr38Ile)

Gene: ANKRD1 (ankyrin repeat domain 1; minus strand). Cytogenetic location: 10q23.31.
Variant type: single nucleotide variant.
Coding change: c.113C>T on transcript NM_014391.3 (MANE Select); coding-DNA position 113, C replaced by T.
Protein change: p.Thr38Ile; replaces threonine 38 with isoleucine.
Molecular consequence: missense variant.
Genome position (GRCh38, 1-based): chr10:90,920,263, G>A on the plus strand (C>T on the coding strand, the complement: ANKRD1 is on the minus strand). VCF-style: chr10-90920263-G-A. GRCh37 (hg19) VCF-style: chr10-92680020-G-A.
Other names: short protein forms T38I.
Identifiers: ClinVar variation 3015194 (VCV003015194.3), dbSNP rs770642356, ClinGen allele CA5598837.

ClinVar aggregate classification (germline): Uncertain significance (1 of 4 stars; one submission).

Conditions:
ANKRD1-related dilated cardiomyopathy. Identifiers: MedGen CN119551.

Allele frequency attached by ClinVar (database versions not stated): gnomAD exomes below 0.00001; ExAC 0.00001.

Submission:

Labcorp Genetics (formerly Invitae), Labcorp
Classification: Uncertain significance for ANKRD1-related dilated cardiomyopathy. Last evaluated: 2023-04-12. Review status: criteria provided, single submitter. Criteria: Invitae Variant Classification Sherloc (09022015). Collection method: clinical testing. Allele origin: germline.
Comment: In summary, the available evidence is currently insufficient to determine the role of this variant in disease. Therefore, it has been classified as a Variant of Uncertain Significance. An algorithm developed to predict the effect of missense changes on protein structure and function (PolyPhen-2) suggests that this variant is likely to be tolerated. This variant has not been reported in the literature in individuals affected with ANKRD1-related conditions. This variant is present in population databases (rs770642356, gnomAD 0.006%). This sequence change replaces threonine, which is neutral and polar, with isoleucine, which is neutral and non-polar, at codon 38 of the ANKRD1 protein (p.Thr38Ile).